The following is an entry in ClinVar:

NM_001018113.3(FANCB):c.1754C>T (p.Ser585Leu)

Gene: FANCB (FA complementation group B; minus strand). Cytogenetic location: Xp22.2.
Variant type: single nucleotide variant.
Coding change: c.1754C>T on transcript NM_001018113.3 (MANE Select); coding-DNA position 1754, C replaced by T.
Protein change: p.Ser585Leu; replaces serine 585 with leucine.
Molecular consequence: missense variant.
Genome position (GRCh38, 1-based): chrX:14,845,029, G>A on the plus strand (C>T on the coding strand, the complement: FANCB is on the minus strand). VCF-style: chrX-14845029-G-A. GRCh37 (hg19) VCF-style: chrX-14863151-G-A.
Other names: c.1754C>T, p.Ser585Leu (NM_001324162.2, NM_001410764.1, NM_152633.4); short protein forms S585L.
Identifiers: ClinVar variation 3698308 (VCV003698308.2).
Genomic context (GRCh38, chrX:14,845,029, plus strand): 5'-TCTCTCTCCATAATTTGTAGCAGTACAGTGCAACAAAATTTACTGAATGTTAAAAGTGGT[G>A]AAAGAGATGTTACAGCAGTAATTATCTGTACACACTCTTTCTTAGATGGGTGTTCACAAA-3'
Protein context (NP_001018123.1, residues 575-595): VQIITAVTSL[Ser585Leu]PLLTFSKFCC

ClinVar aggregate classification (germline): Uncertain significance (1 of 4 stars; one submission).

Conditions:
Fanconi anemia (FA). Also called: Fanconi's anemia. Identifiers: Orphanet 84, MedGen C0015625, MeSH D005199, MONDO:0019391.

gnomAD v4.1: 49 of 1,207,774 alleles (0.0041%); highest among the groups gnomAD compares: Non-Finnish European, 0.0054%; no homozygotes.

Submission:

Labcorp Genetics (formerly Invitae), Labcorp
Classification: Uncertain significance for Fanconi anemia. Last evaluated: 2024-07-19. Review status: criteria provided, single submitter. Criteria: Invitae Variant Classification Sherloc (09022015). Collection method: clinical testing. Allele origin: germline.
Comment: This sequence change replaces serine, which is neutral and polar, with leucine, which is neutral and non-polar, at codon 585 of the FANCB protein (p.Ser585Leu). This variant is not present in population databases (gnomAD no frequency). This variant has not been reported in the literature in individuals affected with FANCB-related conditions. Advanced modeling of protein sequence and biophysical properties (such as structural, functional, and spatial information, amino acid conservation, physicochemical variation, residue mobility, and thermodynamic stability) performed at Invitae indicates that this missense variant is not expected to disrupt FANCB protein function with a negative predictive value of 80%. In summary, the available evidence is currently insufficient to determine the role of this variant in disease. Therefore, it has been classified as a Variant of Uncertain Significance.